The following is an entry in ClinVar:

ClinVar aggregate classification (germline): Pathogenic (1 of 4 stars; one submission).

Conditions:
Tuberous sclerosis 2 (TSC2). Identifiers: Orphanet 805, MedGen C1860707, MONDO:0013199, OMIM 613254.

Submission:

Labcorp Genetics (formerly Invitae), Labcorp
Classification: Pathogenic for Tuberous sclerosis 2. Last evaluated: 2020-12-11. Review status: criteria provided, single submitter. Criteria: Invitae Variant Classification Sherloc (09022015). Collection method: clinical testing. Allele origin: germline.
Comment: For these reasons, this variant has been classified as Pathogenic. Algorithms developed to predict the effect of sequence changes on RNA splicing suggest that this variant may create or strengthen a splice site, but this prediction has not been confirmed by published transcriptional studies. This variant has not been reported in the literature in individuals with TSC2-related conditions. The frequency data for this variant in the population databases is not available, as this variant may be reported as separate entries in the ExAC database. This sequence change creates a premature translational stop signal (p.Cys804*) in the TSC2 gene. It is expected to result in an absent or disrupted protein product. Loss-of-function variants in TSC2 are known to be pathogenic (PMID: 10205261, 17304050).

Literature cited by the submitters: PubMed 10205261; PubMed 17304050.

NM_000548.5(TSC2):c.2411_2412delinsAA (p.Cys804Ter)

Gene: TSC2 (TSC complex subunit 2; plus strand). Cytogenetic location: 16p13.3.
Variant type: Indel.
Coding change: c.2411_2412delinsAA on transcript NM_000548.5 (MANE Select); coding-DNA positions 2411 to 2412, GC replaced by AA.
Protein change: p.Cys804Ter; replaces cysteine 804 with a stop codon.
Molecular consequence: nonsense.
Genome position (GRCh38, 1-based): chr16:2,074,255-2,074,256, GC replaced by AA. VCF-style: chr16-2074255-GC-AA. GRCh37 (hg19) VCF-style: chr16-2124256-GC-AA.
Other names: c.2411_2412delinsAA, p.Cys804Ter (NM_001077183.3, NM_001114382.3, NM_001363528.2 and 3 more transcripts); c.2300_2301delinsAA, p.Cys767Ter (NM_001318827.2); c.2264_2265delinsAA, p.Cys755Ter (NM_001318829.2); c.1811_1812delinsAA, p.Cys604Ter (NM_001318831.2); c.2444_2445delinsAA, p.Cys815Ter (NM_001318832.2); short protein forms C804*, C767*, C815*, C755*, C604*.
Identifiers: ClinVar variation 1387087 (VCV001387087.6), dbSNP rs2151349354, ClinGen allele CA2573151640.